The following is an entry in ClinVar:

NM_001025356.3(ANO6):c.2707A>G (p.Asn903Asp)

Gene: ANO6 (anoctamin 6; plus strand). Cytogenetic location: 12q12.
Variant type: single nucleotide variant.
Coding change: c.2707A>G on transcript NM_001025356.3 (MANE Select); coding-DNA position 2707, A replaced by G.
Protein change: p.Asn903Asp; replaces asparagine 903 with aspartic acid.
Molecular consequence: missense variant. On other transcripts: intron variant (1).
Genome position (GRCh38, 1-based): chr12:45,429,285, A>G. VCF-style: chr12-45429285-A-G. GRCh37 (hg19) VCF-style: chr12-45823068-A-G.
Other names: c.2653A>G, p.Asn885Asp (NM_001142678.2); c.2770A>G, p.Asn924Asp (NM_001204803.2); c.2674A>G, p.Asn892Asp (NM_001410973.1); c.2526+6223A>G (NM_001142679.2); short protein forms N885D, N903D, N924D, N892D.
Identifiers: ClinVar variation 3635073 (VCV003635073.2).

ClinVar aggregate classification (germline): Uncertain significance (1 of 4 stars; one submission).

Submission:

Labcorp Genetics (formerly Invitae), Labcorp
Classification: Uncertain significance. Last evaluated: 2025-02-06. Review status: criteria provided, single submitter. Criteria: Invitae Variant Classification Sherloc (09022015). Collection method: clinical testing. Allele origin: germline.
Comment: This sequence change replaces asparagine, which is neutral and polar, with aspartic acid, which is acidic and polar, at codon 903 of the ANO6 protein (p.Asn903Asp). This variant is not present in population databases (gnomAD no frequency). This variant has not been reported in the literature in individuals affected with ANO6-related conditions. Invitae Evidence Modeling of protein sequence and biophysical properties (such as structural, functional, and spatial information, amino acid conservation, physicochemical variation, residue mobility, and thermodynamic stability) indicates that this missense variant is not expected to disrupt ANO6 protein function with a negative predictive value of 95%. In summary, the available evidence is currently insufficient to determine the role of this variant in disease. Therefore, it has been classified as a Variant of Uncertain Significance.